The following is an entry in ClinVar:

ClinVar aggregate classification (germline): Likely pathogenic (1 of 4 stars; one submission).

Conditions:
Syndromic complex neurodevelopmental disorder. Identifiers: MedGen CN372091, MONDO:0800439.

Submission:

Dasa
Classification: Likely pathogenic for Syndromic complex neurodevelopmental disorder. Last evaluated: 2026-01-31. Review status: criteria provided, single submitter. Criteria: DASA Assertion Criteria. Collection method: clinical testing. Allele origin: germline.
Comment: NM_018489.3(ASH1L):c.3204_3207dup (p.Leu1070*) is a frameshift variant in ASH1L predicted to alter the reading frame and introduce a premature termination codon and is predicted to result in an absent or altered protein product. Loss of function is an established disease mechanism for ASH1L (PMID: 28191889; PMID: 25363760; PMID: 28263302). Also, this variant is absent from population databases. Based on the currently available evidence, this variant is classified as likely pathogenic.

Literature cited by the submitters: PubMed 28191889; PubMed 25363760; PubMed 28263302.

NM_018489.3(ASH1L):c.3204_3207dup (p.Leu1070Ter)

Gene: ASH1L (ASH1 like histone lysine methyltransferase; minus strand). Cytogenetic location: 1q22.
Variant type: Duplication.
Coding change: c.3204_3207dup on transcript NM_018489.3 (MANE Select); coding-DNA positions 3204 to 3207, 4 bases duplicated (TAGC; older notation c.3204_3207dupTAGC).
Protein change: p.Leu1070Ter; replaces leucine 1070 with a stop codon.
Molecular consequence: nonsense.
Genome position (GRCh38, 1-based): chr1:155,479,663-155,479,666, GCTA duplicated on the plus strand (TAGC on the coding strand, the reverse complement: ASH1L is on the minus strand); duplicating any 4 consecutive bases within chr1:155,479,663-155,479,667 gives the same sequence; the c. name uses the placement nearest the transcript's 3' end. VCF-style (leftmost placement, unchanged base first): chr1-155479662-G-GGCTA. GRCh37 (hg19) VCF-style: chr1-155449453-G-GGCTA.
Other names: c.3204_3207dup, p.Leu1070Ter (NM_001366177.2); short protein forms L1070*.
Identifiers: ClinVar variation 4880736 (VCV004880736.2).
Genomic context (GRCh38, chr1:155,479,662, plus strand): 5'-GAAGAATCTGTCCTAATGCTGACCCAGCTGCCTGTTGAGCTGTTTGCTCAAGAACAGCAA[G>GGCTA]GCTAGTAGGACTACCAGAAAGAATACCATTTAAGACAGTTTTTGGTTTGCGACCTCTTCT-3'